The following is an entry in ClinVar:

NM_138927.4(SON):c.6100C>T (p.Arg2034Cys)

Gene: SON (SON DNA and RNA binding protein; plus strand). Cytogenetic location: 21q22.11.
Variant type: single nucleotide variant.
Coding change: c.6100C>T on transcript NM_138927.4 (MANE Select); coding-DNA position 6100, C replaced by T.
Protein change: p.Arg2034Cys; replaces arginine 2034 with cysteine.
Molecular consequence: missense variant. On other transcripts: non-coding transcript variant (1), intron variant (1).
Genome position (GRCh38, 1-based): chr21:33,555,331, C>T. VCF-style: chr21-33555331-C-T. GRCh37 (hg19) VCF-style: chr21-34927637-C-T.
Other names: c.6100C>T, p.Arg2034Cys (NM_001291411.2, NM_032195.3); c.245-1825C>T (NM_001291412.3); short protein forms R2034C.
Identifiers: ClinVar variation 4796899 (VCV004796899.1).

ClinVar aggregate classification (germline): Uncertain significance (1 of 4 stars; one submission).

gnomAD v4.1: 25 of 1,601,314 alleles (0.0016%); highest among the groups gnomAD compares: East Asian, 0.0023%; no homozygotes.

Submission:

Labcorp Genetics (formerly Invitae), Labcorp
Classification: Uncertain significance. Last evaluated: 2026-01-12. Review status: criteria provided, single submitter. Criteria: Invitae Variant Classification Sherloc (09022015). Collection method: clinical testing. Allele origin: germline.
Comment: This sequence change replaces arginine, which is basic and polar, with cysteine, which is neutral and slightly polar, at codon 2034 of the SON protein (p.Arg2034Cys). This variant is present in population databases (rs369271513, gnomAD 0.002%). This variant has not been reported in the literature in individuals affected with SON-related conditions. Experimental studies and prediction algorithms are not available or were not evaluated, and the functional significance of this variant is currently unknown. In summary, the available evidence is currently insufficient to determine the role of this variant in disease. Therefore, it has been classified as a Variant of Uncertain Significance.